The following is an entry in ClinVar:

ClinVar aggregate classification (germline): Conflicting classifications of pathogenicity. Review status: criteria provided, conflicting classifications (1 of 4 stars). 13 submissions from 7 submitters: Uncertain significance (2); Likely benign (8). 3 of the submissions do not count toward it. Last evaluated 2025-11-05.

Conditions:
Stiff skin syndrome (SSKS). Identifiers: Orphanet 2833, MedGen C1861456, MONDO:0008492, OMIM 184900.
Marfan syndrome (MFS). Also called: Marfan syndrome type 1; Marfan's syndrome; MARFAN SYNDROME, TYPE I; Marfan syndrome, classic; FBN1-Related Marfan Syndrome. Identifiers: Orphanet 284963, Orphanet 558, MedGen C0024796, MONDO:0007947, OMIM 154700.
Weill-Marchesani syndrome. Also called: WM Syndrome; Mesodermal dysmorphodystrophy congenital. Identifiers: Orphanet 3449, MedGen C0265313, MONDO:0018096.
Familial thoracic aortic aneurysm and aortic dissection (TAAD). Also called: Thoracic aortic aneurysms and dissections. Identifiers: Orphanet 91387, MedGen C4707243, MONDO:0019625.
Acromicric dysplasia (ACMICD). Also called: Acromicric skeletal dysplasia. Identifiers: Orphanet 969, MedGen C0265287, MONDO:0007055, OMIM 102370.
Geleophysic dysplasia. Identifiers: Orphanet 2623, MedGen C3489726, MONDO:0000127.
Ectopia lentis 1, isolated, autosomal dominant (ECTOL1). Identifiers: Orphanet 1885, MedGen C3541518, MONDO:0007514, OMIM 129600.

Allele frequency attached by ClinVar (database versions not stated): gnomAD 0.00002 and 0.00001; 1000 Genomes Project 0.00020; TOPMed 0.00001; gnomAD exomes 0.00002; 1000 Genomes Project 30x 0.00016; ExAC 0.00002; ESP Exome Variant Server 0.00008.
gnomAD v4.1: 32 of 1,614,096 alleles (0.002%); highest among the groups gnomAD compares: Middle Eastern, 0.016%; no homozygotes.

Submissions (13):

Labcorp Genetics (formerly Invitae), Labcorp
Classification: Likely benign for Marfan syndrome; Familial thoracic aortic aneurysm and aortic dissection. Last evaluated: 2025-11-05. Review status: criteria provided, single submitter. Criteria: Invitae Variant Classification Sherloc (09022015). Collection method: clinical testing. Allele origin: germline.

Ambry Genetics
Classification: Likely benign for Familial thoracic aortic aneurysm and aortic dissection. Last evaluated: 2025-02-25. Review status: criteria provided, single submitter. Criteria: Ambry Variant Classification Scheme 2023. Collection method: clinical testing. Allele origin: germline.

Color Diagnostics, LLC DBA Color Health
Classification: Likely benign for Familial thoracic aortic aneurysm and aortic dissection. Last evaluated: 2019-05-15. Review status: criteria provided, single submitter. Criteria: ACMG Guidelines, 2015. Collection method: clinical testing. Allele origin: germline.

Illumina Laboratory Services, Illumina
Classification: Uncertain significance for Marfan syndrome. Last evaluated: 2018-01-12. Review status: criteria provided, single submitter. Criteria: ICSL Variant Classification Criteria 13 December 2019. Collection method: clinical testing. Allele origin: germline.

Illumina Laboratory Services, Illumina
Classification: Likely benign for Geleophysic dysplasia. Last evaluated: 2018-01-12. Review status: criteria provided, single submitter. Criteria: ICSL Variant Classification Criteria 13 December 2019. Collection method: clinical testing. Allele origin: germline.
Comment: This variant was observed in the ICSL laboratory as part of a predisposition screen in an ostensibly healthy population. It had not been previously curated by ICSL or reported in the Human Gene Mutation Database (HGMD: prior to June 1st, 2018), and was therefore a candidate for classification through an automated scoring system. Utilizing variant allele frequency, disease prevalence and penetrance estimates, and inheritance mode, an automated score was calculated to assess if this variant is too frequent to cause the disease. Based on the score and internal cut-off values, a variant classified as likely benign is not then subjected to further curation. The score for this variant resulted in a classification of likely benign for this disease.

Illumina Laboratory Services, Illumina
Classification: Likely benign for Stiff skin syndrome. Last evaluated: 2018-01-12. Review status: criteria provided, single submitter. Criteria: ICSL Variant Classification Criteria 13 December 2019. Collection method: clinical testing. Allele origin: germline.
Comment: the same text as in the submission from Illumina Laboratory Services, Illumina above.

Illumina Laboratory Services, Illumina
Classification: Likely benign for Ectopia lentis 1, isolated, autosomal dominant. Last evaluated: 2018-01-12. Review status: criteria provided, single submitter. Criteria: ICSL Variant Classification Criteria 13 December 2019. Collection method: clinical testing. Allele origin: germline.
Comment: the same text as in the submission from Illumina Laboratory Services, Illumina above.

Illumina Laboratory Services, Illumina
Classification: Likely benign for Acromicric dysplasia. Last evaluated: 2018-01-12. Review status: criteria provided, single submitter. Criteria: ICSL Variant Classification Criteria 13 December 2019. Collection method: clinical testing. Allele origin: germline.
Comment: the same text as in the submission from Illumina Laboratory Services, Illumina above.

Illumina Laboratory Services, Illumina
Classification: Uncertain significance for Familial thoracic aortic aneurysm and aortic dissection. Last evaluated: 2018-01-12. Review status: criteria provided, single submitter. Criteria: ICSL Variant Classification Criteria 13 December 2019. Collection method: clinical testing. Allele origin: germline.

Illumina Laboratory Services, Illumina
Classification: Likely benign for Weill-Marchesani syndrome. Last evaluated: 2018-01-12. Review status: criteria provided, single submitter. Criteria: ICSL Variant Classification Criteria 13 December 2019. Collection method: clinical testing. Allele origin: germline.
Comment: the same text as in the submission from Illumina Laboratory Services, Illumina above.

Center for Medical Genetics Ghent, University of Ghent
Classification: Likely benign for Marfan syndrome. Last evaluated: 2017-11-07. Review status: no assertion criteria provided. Collection method: clinical testing. Allele origin: germline. Affected: yes. Not counted in ClinVar's aggregate classification.

Clinical Genetics DNA and cytogenetics Diagnostics Lab, Erasmus MC, Erasmus Medical Center
Classification: Uncertain significance. Review status: no assertion criteria provided. Collection method: clinical testing. Allele origin: germline. Affected: yes. Study: VKGL Data-share Consensus. Not counted in ClinVar's aggregate classification.

Genome Diagnostics Laboratory, Amsterdam University Medical Center
Classification: Uncertain significance. Review status: no assertion criteria provided. Collection method: clinical testing. Allele origin: germline. Affected: yes. Study: VKGL Data-share Consensus. Not counted in ClinVar's aggregate classification.

NM_000138.5(FBN1):c.2979C>T (p.Cys993=)

Gene: FBN1 (fibrillin 1; minus strand). Cytogenetic location: 15q21.1.
Variant type: single nucleotide variant.
Coding change: c.2979C>T on transcript NM_000138.5 (MANE Select); coding-DNA position 2979, C replaced by T.
Protein change: p.Cys993=; no amino-acid change (cysteine 993 retained).
Molecular consequence: synonymous variant.
Genome position (GRCh38, 1-based): chr15:48,489,954, G>A on the plus strand (C>T on the coding strand, the complement: FBN1 is on the minus strand). VCF-style: chr15-48489954-G-A. GRCh37 (hg19) VCF-style: chr15-48782151-G-A.
Identifiers: ClinVar variation 316381 (VCV000316381.20), dbSNP rs150126098, ClinGen allele CA049502.
Genomic context (GRCh38, chr15:48,489,954, plus strand): 5'-TCCGGGTCCTCTCGGACACAGCTCCTCGTACTCAGGAGTATTTCTCATGGGACACTCCTC[G>A]CATTCCTCAGTACCCCAGGCTGCCCCGACGGAGCAGCAGCAGGCGTCCATGCGGTGGCGG-3'
Protein context (NP_000129.3, residues 983-1003): SVGAAWGTEE[Cys993=]EECPMRNTPE